The following is an entry in ClinVar:

NM_001368397.1(FRMPD4):c.868G>A (p.Val290Ile)

Gene: FRMPD4 (FERM and PDZ domain containing 4; plus strand). Cytogenetic location: Xp22.2.
Variant type: single nucleotide variant.
Coding change: c.868G>A on transcript NM_001368397.1 (MANE Select); coding-DNA position 868, G replaced by A.
Protein change: p.Val290Ile; replaces valine 290 with isoleucine.
Molecular consequence: missense variant.
Genome position (GRCh38, 1-based): chrX:12,694,389, G>A. VCF-style: chrX-12694389-G-A. GRCh37 (hg19) VCF-style: chrX-12712508-G-A.
Other names: c.979G>A, p.Val327Ile (NM_001368395.3, NM_001368398.3); c.874G>A, p.Val292Ile (NM_001368396.3); c.859G>A, p.Val287Ile (NM_001368399.3); c.748G>A, p.Val250Ile (NM_001368400.3); c.844G>A, p.Val282Ile (NM_001368401.1, NM_001368402.3); c.868G>A, p.Val290Ile (NM_014728.3); short protein forms V250I, V282I, V287I, V290I, V292I, V327I.
Identifiers: ClinVar variation 3067577 (VCV003067577.21), dbSNP rs779596855, ClinGen allele CA10349179.

ClinVar aggregate classification (germline): Likely benign (1 of 4 stars; one submission).

Allele frequency attached by ClinVar (database versions not stated): ExAC 0.00001; TOPMed 0.00002; gnomAD 0.00003; gnomAD exomes 0.00003.
gnomAD v4.1: 38 of 1,184,308 alleles (0.0032%); highest among the groups gnomAD compares: African/African-American, 0.0053%; no homozygotes.

Submission:

CeGaT Center for Human Genetics Tuebingen
Classification: Likely benign. Last evaluated: 2024-03-01. Review status: criteria provided, single submitter. Criteria: CeGaT Center For Human Genetics Tuebingen Variant Classification Criteria Version 2. Collection method: clinical testing. Allele origin: germline. Affected: yes. Observed: 1 variant allele.
Comment: FRMPD4: BS2